The following is an entry in ClinVar:

NM_017780.4(CHD7):c.5588del (p.Pro1863fs)

Gene: CHD7 (chromodomain helicase DNA binding protein 7; plus strand). Cytogenetic location: 8q12.2.
Variant type: Deletion.
Coding change: c.5588del on transcript NM_017780.4 (MANE Select); coding-DNA position 5588, one base deleted (C; older notation c.5588delC).
Protein change: p.Pro1863fs; shifts the reading frame from proline 1863.
Molecular consequence: frameshift variant. On other transcripts: intron variant (1).
Genome position (GRCh38, 1-based): chr8:60,851,085, C deleted; the last of 2 consecutive C bases (chr8:60,851,084-60,851,085); deleting either gives the same sequence. VCF-style (leftmost placement, unchanged base first): chr8-60851083-AC-A. GRCh37 (hg19) VCF-style: chr8-61763642-AC-A.
Other names: c.5588delC, p.Pro1863Argfs (NM_017780.2); c.1717-11144del (NM_001316690.1); short protein forms P1863fs.
Identifiers: ClinVar variation 4888195 (VCV004888195.1).

ClinVar aggregate classification (germline): Pathogenic (1 of 4 stars; one submission).

Submission:

GeneDx
Classification: Pathogenic. Last evaluated: 2026-03-04. Review status: criteria provided, single submitter. Criteria: GeneDx Variant Classification Process June 2021. Collection method: clinical testing. Allele origin: germline.
Comment: Frameshift variant predicted to result in protein truncation or nonsense mediated decay in a gene for which loss of function is a known mechanism of disease; Identified in patients with clinical features consistent with CHARGE syndrome referred for genetic testing at GeneDx and in published literature (PMID: 21158681); Not observed at significant frequency in large population cohorts (gnomAD); This variant is associated with the following publications: (PMID: 21158681)